The following is an entry in ClinVar:

ClinVar aggregate classification (germline): Uncertain significance (1 of 4 stars; one submission).

Conditions:
Familial cancer of breast. Also called: Hereditary breast cancer; BREAST CANCER, FAMILIAL; hereditary breast carcinoma. Identifiers: Orphanet 227535, MedGen C0346153, MONDO:0016419, OMIM 114480. Disease mechanism: loss of function.

Submission:

Labcorp Genetics (formerly Invitae), Labcorp
Classification: Uncertain significance for Familial cancer of breast. Last evaluated: 2021-04-04. Review status: criteria provided, single submitter. Criteria: Invitae Variant Classification Sherloc (09022015). Collection method: clinical testing. Allele origin: germline.
Comment: In summary, the available evidence is currently insufficient to determine the role of this variant in disease. Therefore, it has been classified as a Variant of Uncertain Significance. Algorithms developed to predict the effect of missense changes on protein structure and function (SIFT, PolyPhen-2, Align-GVGD) all suggest that this variant is likely to be disruptive, but these predictions have not been confirmed by published functional studies and their clinical significance is uncertain. This variant has not been reported in the literature in individuals with BARD1-related conditions. This variant is not present in population databases (ExAC no frequency). This sequence change replaces asparagine with isoleucine at codon 521 of the BARD1 protein (p.Asn521Ile). The asparagine residue is moderately conserved and there is a large physicochemical difference between asparagine and isoleucine.

NM_000465.4(BARD1):c.1562A>T (p.Asn521Ile)

Gene: BARD1 (BRCA1 associated RING domain 1; minus strand). Cytogenetic location: 2q35.
Variant type: single nucleotide variant.
Coding change: c.1562A>T on transcript NM_000465.4 (MANE Select); coding-DNA position 1562, A replaced by T.
Protein change: p.Asn521Ile; replaces asparagine 521 with isoleucine.
Molecular consequence: missense variant. On other transcripts: non-coding transcript variant (3), intron variant (3).
Genome position (GRCh38, 1-based): chr2:214,767,488, T>A on the plus strand (A>T on the coding strand, the complement: BARD1 is on the minus strand). VCF-style: chr2-214767488-T-A. GRCh37 (hg19) VCF-style: chr2-215632212-T-A.
Other names: c.1505A>T, p.Asn502Ile (NM_001282543.2); c.159-14933A>T (NM_001282548.2); c.216-14933A>T (NM_001282545.2); c.364+24809A>T (NM_001282549.2); short protein forms N502I, N521I.
Identifiers: ClinVar variation 1384782 (VCV001384782.9), dbSNP rs1553619203, ClinGen allele CA350448093.
Genomic context (GRCh38, chr2:214,767,488, plus strand): 5'-TGATTCAAGAATATAGGTCCATTTTAAAAATAATTTTTACGTTGAACTACTTACACAGCA[T>A]TTCTGGAGGCTCCATAGGAAAGTAACAGCTTGACTATATCCACATGCCCATTCTTGGCTG-3'
Protein context (NP_000456.2, residues 511-531): KLLLSYGASR[Asn521Ile]AVNIFGLRPV